The following is an entry in ClinVar:

NM_000051.4(ATM):c.3445A>G (p.Asn1149Asp)

Gene: ATM (ATM serine/threonine kinase; plus strand). Cytogenetic location: 11q22.3.
Variant type: single nucleotide variant.
Coding change: c.3445A>G on transcript NM_000051.4 (MANE Select); coding-DNA position 3445, A replaced by G.
Protein change: p.Asn1149Asp; replaces asparagine 1149 with aspartic acid.
Molecular consequence: missense variant.
Genome position (GRCh38, 1-based): chr11:108,281,037, A>G. VCF-style: chr11-108281037-A-G. GRCh37 (hg19) VCF-style: chr11-108151764-A-G.
Other names: c.3445A>G, p.Asn1149Asp (NM_001351834.2); short protein forms N1149D.
Identifiers: ClinVar variation 2196153 (VCV002196153.5), dbSNP rs2135666374, ClinGen allele CA382519258.
Genomic context (GRCh38, chr11:108,281,037, plus strand): 5'-TTTTAATTTCTTTTTAAGTCCCATAGTGCTGAGAACCCTGAAACTTTGGATGAAATTTAT[A>G]ATAGAAAATCTGTTTTACTGACGTTGATAGCTGTGGTTTTATCCTGTAGCCCTATCTGCG-3'
Protein context (NP_000042.3, residues 1139-1159): ENPETLDEIY[Asn1149Asp]RKSVLLTLIA

ClinVar aggregate classification (germline): Uncertain significance. Review status: criteria provided, multiple submitters, no conflicts (2 of 4 stars). 2 submissions from 2 submitters: Uncertain significance (2). Last evaluated 2025-08-28.

Conditions:
Hereditary cancer-predisposing syndrome. Also called: Neoplastic Syndromes, Hereditary; Hereditary Cancer Syndrome; Hereditary neoplastic syndrome; Tumor predisposition. Identifiers: Orphanet 140162, MedGen C0027672, MeSH D009386, MONDO:0015356.
Ataxia-telangiectasia syndrome (AT). Also called: Cerebello-oculocutaneous telangiectasia; Immunodeficiency with ataxia telangiectasia; LOUIS-BAR SYNDROME; Ataxia-telangiectasia, complementation group D; AT, COMPLEMENTATION GROUP C; Ataxia-telangiectasia. Identifiers: Orphanet 100, MedGen C0004135, MONDO:0008840, OMIM 208900.

Submissions (2):

Ambry Genetics
Classification: Uncertain significance for Hereditary cancer-predisposing syndrome. Last evaluated: 2025-08-28. Review status: criteria provided, single submitter. Criteria: Ambry Variant Classification Scheme 2023. Collection method: clinical testing. Allele origin: germline.

Labcorp Genetics (formerly Invitae), Labcorp
Classification: Uncertain significance for Ataxia-telangiectasia syndrome. Last evaluated: 2024-10-11. Review status: criteria provided, single submitter. Criteria: Invitae Variant Classification Sherloc (09022015). Collection method: clinical testing. Allele origin: germline.
Comment: This sequence change replaces asparagine, which is neutral and polar, with aspartic acid, which is acidic and polar, at codon 1149 of the ATM protein (p.Asn1149Asp). This variant is not present in population databases (gnomAD no frequency). This variant has not been reported in the literature in individuals affected with ATM-related conditions. ClinVar contains an entry for this variant (Variation ID: 2196153). Invitae Evidence Modeling of protein sequence and biophysical properties (such as structural, functional, and spatial information, amino acid conservation, physicochemical variation, residue mobility, and thermodynamic stability) has been performed for this missense variant. However, the output from this modeling did not meet the statistical confidence thresholds required to predict the impact of this variant on ATM protein function. In summary, the available evidence is currently insufficient to determine the role of this variant in disease. Therefore, it has been classified as a Variant of Uncertain Significance.